The following is an entry in ClinVar:

NM_001256071.3(RNF213):c.12072G>A (p.Trp4024Ter)

Genes: RNF213 (ring finger protein 213; plus strand), RNF213-AS1 (RNF213 antisense RNA 1; minus strand). Cytogenetic location: 17q25.3.
Variant type: single nucleotide variant.
Coding change: c.12072G>A on transcript NM_001256071.3 (MANE Select); coding-DNA position 12072, G replaced by A.
Protein change: p.Trp4024Ter; replaces tryptophan 4024 with a stop codon.
Molecular consequence: nonsense.
Genome position (GRCh38, 1-based): chr17:80,368,060, G>A. VCF-style: chr17-80368060-G-A. GRCh37 (hg19) VCF-style: chr17-78341860-G-A.
Other names: c.12219G>A, p.Trp4073Ter (NM_001410195.1, NM_020914.5); short protein forms W4073*, W4024*.
Identifiers: ClinVar variation 3726228 (VCV003726228.2).

ClinVar aggregate classification (germline): Uncertain significance (1 of 4 stars; one submission).

Submission:

Labcorp Genetics (formerly Invitae), Labcorp
Classification: Uncertain significance. Last evaluated: 2025-03-16. Review status: criteria provided, single submitter. Criteria: Invitae Variant Classification Sherloc (09022015). Collection method: clinical testing. Allele origin: germline.
Comment: This sequence change creates a premature translational stop signal (p.Trp4024*) in the RNF213 gene. It is expected to result in an absent or disrupted protein product. However, the current clinical and genetic evidence is not sufficient to establish whether loss-of-function variants in RNF213 cause disease. This variant is not present in population databases (gnomAD no frequency). This variant has not been reported in the literature in individuals affected with RNF213-related conditions. In summary, the available evidence is currently insufficient to determine the role of this variant in disease. Therefore, it has been classified as a Variant of Uncertain Significance.